The following is an entry in ClinVar:

NM_001267550.2(TTN):c.45667C>T (p.Gln15223Ter)

Gene: TTN (titin; minus strand). Cytogenetic location: 2q31.2.
Variant type: single nucleotide variant.
Coding change: c.45667C>T on transcript NM_001267550.2 (MANE Select); coding-DNA position 45667, C replaced by T.
Protein change: p.Gln15223Ter; replaces glutamine 15223 with a stop codon.
Molecular consequence: nonsense.
Genome position (GRCh38, 1-based): chr2:178,620,943, G>A on the plus strand (C>T on the coding strand, the complement: TTN is on the minus strand). VCF-style: chr2-178620943-G-A. GRCh37 (hg19) VCF-style: chr2-179485670-G-A.
Other names: c.40744C>T, p.Gln13582Ter (NM_001256850.1); c.18472C>T, p.Gln6158Ter (NM_003319.4); c.37963C>T, p.Gln12655Ter (NM_133378.4); c.18847C>T, p.Gln6283Ter (NM_133432.3); c.19048C>T, p.Gln6350Ter (NM_133437.4); short protein forms Q13582*, Q15223*, Q12655*, Q6283*, Q6350*, Q6158*.
Identifiers: ClinVar variation 2020830 (VCV002020830.4), dbSNP rs2471023807, ClinGen allele CA349632734.

ClinVar aggregate classification (germline): Likely pathogenic (1 of 4 stars; one submission).

Conditions:
Autosomal recessive limb-girdle muscular dystrophy type 2J (LGMDR10). Also called: Limb-girdle muscular dystrophy, type 2J; MUSCULAR DYSTROPHY, LIMB-GIRDLE, AUTOSOMAL RECESSIVE 10. Identifiers: Orphanet 140922, MedGen C1837342, MONDO:0012127, OMIM 608807.
Dilated cardiomyopathy 1G (CMD1G). Identifiers: Orphanet 154, MedGen C1858763, MONDO:0011400, OMIM 604145.

gnomAD v4.1: 1 of 1,612,274 alleles (0.000062%); highest among the groups gnomAD compares: Non-Finnish European, 0.000085%; no homozygotes.

Submission:

Labcorp Genetics (formerly Invitae), Labcorp
Classification: Likely pathogenic for Dilated cardiomyopathy 1G; Autosomal recessive limb-girdle muscular dystrophy type 2J. Last evaluated: 2024-10-18. Review status: criteria provided, single submitter. Criteria: Invitae Variant Classification Sherloc (09022015). Collection method: clinical testing. Allele origin: germline.
Comment: This sequence change creates a premature translational stop signal (p.Gln15223*) in the TTN gene. While this is not anticipated to result in nonsense mediated decay, it is expected to create a truncated TTN protein. This variant is not present in population databases (gnomAD no frequency). This variant has not been reported in the literature in individuals affected with TTN-related conditions. ClinVar contains an entry for this variant (Variation ID: 2020830). This variant is located in the I band of TTN (PMID: 25589632). Truncating variants in this region have been reported in individuals affected with autosomal recessive centronuclear myopathy (PMID: 23975875, internal data). Truncating variants in this region have also been identified in individuals affected with autosomal dominant dilated cardiomyopathy and/or cardio-related conditions (PMID: 27869827, 32964742, internal data). In summary, the currently available evidence indicates that the variant is pathogenic, but additional data are needed to prove that conclusively. Therefore, this variant has been classified as Likely Pathogenic.

Literature cited by the submitters: PubMed 25589632; PubMed 23975875; PubMed 27869827; PubMed 32964742.